The following is an entry in ClinVar:

ClinVar aggregate classification (germline): Uncertain significance. Review status: criteria provided, multiple submitters, no conflicts (2 of 4 stars). 2 submissions from 2 submitters: Uncertain significance (2). Last evaluated 2025-04-04.

Conditions:
Inborn genetic diseases. Identifiers: MedGen C0950123, MeSH D030342.
COG7 congenital disorder of glycosylation (CDG2E). Also called: CONGENITAL DISORDER OF GLYCOSYLATION, TYPE IIe; CDG IIe. Identifiers: Orphanet 79333, MedGen C2931010, MONDO:0012118, OMIM 608779.

Allele frequency attached by ClinVar (database versions not stated): gnomAD 0.00001; gnomAD exomes 0.00001; ExAC 0.00002; TOPMed 0.00005; ESP Exome Variant Server 0.00008.
gnomAD v4.1: 17 of 1,608,124 alleles (0.0011%); highest among the groups gnomAD compares: Non-Finnish European, 0.0014%; no homozygotes.

Submissions (2):

Ambry Genetics
Classification: Uncertain significance for Inborn genetic diseases. Last evaluated: 2025-04-04. Review status: criteria provided, single submitter. Criteria: Ambry Variant Classification Scheme 2023. Collection method: clinical testing. Allele origin: germline.

Labcorp Genetics (formerly Invitae), Labcorp
Classification: Uncertain significance for COG7 congenital disorder of glycosylation. Last evaluated: 2022-02-09. Review status: criteria provided, single submitter. Criteria: Invitae Variant Classification Sherloc (09022015). Collection method: clinical testing. Allele origin: germline.
Comment: This sequence change replaces aspartic acid, which is acidic and polar, with glycine, which is neutral and non-polar, at codon 202 of the COG7 protein (p.Asp202Gly). This variant is present in population databases (rs143878627, gnomAD 0.003%). This variant has not been reported in the literature in individuals affected with COG7-related conditions. Algorithms developed to predict the effect of missense changes on protein structure and function are either unavailable or do not agree on the potential impact of this missense change (SIFT: "Deleterious"; PolyPhen-2: "Benign"; Align-GVGD: "Class C0"). Algorithms developed to predict the effect of sequence changes on RNA splicing suggest that this variant may create or strengthen a splice site. In summary, the available evidence is currently insufficient to determine the role of this variant in disease. Therefore, it has been classified as a Variant of Uncertain Significance.

NM_153603.4(COG7):c.605A>G (p.Asp202Gly)

Gene: COG7 (component of oligomeric golgi complex 7; minus strand). Cytogenetic location: 16p12.2.
Variant type: single nucleotide variant.
Coding change: c.605A>G on transcript NM_153603.4 (MANE Select); coding-DNA position 605, A replaced by G.
Protein change: p.Asp202Gly; replaces aspartic acid 202 with glycine.
Molecular consequence: missense variant.
Genome position (GRCh38, 1-based): chr16:23,434,718, T>C on the plus strand (A>G on the coding strand, the complement: COG7 is on the minus strand). VCF-style: chr16-23434718-T-C. GRCh37 (hg19) VCF-style: chr16-23446039-T-C.
Other names: c.605A>G (NM_153603.3); short protein forms D202G.
Identifiers: ClinVar variation 2197946 (VCV002197946.2), dbSNP rs143878627, ClinGen allele CA7961245.
Genomic context (GRCh38, chr16:23,434,718, plus strand): 5'-GCCAGGAGCTGGGGCATCCGGTCAATTTCAGTAAACACCTTCACAAACACTTTGGACTGA[T>C]CTAAAGAACATACAATGTATATATACTGTTACCAGCCTTTCTGGTGTAGACATGAGAAAA-3'
Protein context (NP_705831.1, residues 192-212): IVAAFTSQAV[Asp202Gly]QSKVFVKVFT